The following is an entry in ClinVar:

NM_032608.7(MYO18B):c.740C>A (p.Thr247Asn)

Gene: MYO18B (myosin XVIIIB; plus strand). Cytogenetic location: 22q12.1.
Variant type: single nucleotide variant.
Coding change: c.740C>A on transcript NM_032608.7 (MANE Select); coding-DNA position 740, C replaced by A.
Protein change: p.Thr247Asn; replaces threonine 247 with asparagine.
Molecular consequence: missense variant.
Genome position (GRCh38, 1-based): chr22:25,768,656, C>A. VCF-style: chr22-25768656-C-A. GRCh37 (hg19) VCF-style: chr22-26164623-C-A.
Other names: c.740C>A, p.Thr247Asn (NM_001318245.2); c.740C>A (NM_032608.5); short protein forms T247N.
Identifiers: ClinVar variation 1921665 (VCV001921665.3), dbSNP rs780457718, ClinGen allele CA322779204.

ClinVar aggregate classification (germline): Uncertain significance. Review status: criteria provided, multiple submitters, no conflicts (2 of 4 stars). 2 submissions from 2 submitters: Uncertain significance (2). Last evaluated 2025-03-20.

Conditions:
Inborn genetic diseases. Identifiers: MedGen C0950123, MeSH D030342.

gnomAD v4.1: 22 of 1,532,808 alleles (0.0014%); highest among the groups gnomAD compares: Admixed American, 0.0066%; no homozygotes.

Submissions (2):

Ambry Genetics
Classification: Uncertain significance for Inborn genetic diseases. Last evaluated: 2025-03-20. Review status: criteria provided, single submitter. Criteria: Ambry Variant Classification Scheme 2023. Collection method: clinical testing. Allele origin: germline.

Labcorp Genetics (formerly Invitae), Labcorp
Classification: Uncertain significance. Last evaluated: 2022-01-03. Review status: criteria provided, single submitter. Criteria: Invitae Variant Classification Sherloc (09022015). Collection method: clinical testing. Allele origin: germline.
Comment: This sequence change replaces threonine, which is neutral and polar, with asparagine, which is neutral and polar, at codon 247 of the MYO18B protein (p.Thr247Asn). This variant is present in population databases (no rsID available, gnomAD 0.002%). This variant has not been reported in the literature in individuals affected with MYO18B-related conditions. Algorithms developed to predict the effect of missense changes on protein structure and function are either unavailable or do not agree on the potential impact of this missense change (SIFT: "Not Available"; PolyPhen-2: "Benign"; Align-GVGD: "Not Available"). In summary, the available evidence is currently insufficient to determine the role of this variant in disease. Therefore, it has been classified as a Variant of Uncertain Significance.